The following is an entry in ClinVar:

ClinVar aggregate classification (germline): Uncertain significance (1 of 4 stars; one submission).

Submission:

GeneDx
Classification: Uncertain significance. Last evaluated: 2025-04-17. Review status: criteria provided, single submitter. Criteria: GeneDx Variant Classification Process June 2021. Collection method: clinical testing. Allele origin: germline. Affected: yes.
Comment: Not observed at significant frequency in large population cohorts (gnomAD); In silico analysis indicates that this missense variant does not alter protein structure/function; Has not been previously published as pathogenic or benign to our knowledge

NM_000809.4(GABRA4):c.1547G>A (p.Ser516Asn)

Gene: GABRA4 (gamma-aminobutyric acid type A receptor subunit alpha4; minus strand). Cytogenetic location: 4p12.
Variant type: single nucleotide variant.
Coding change: c.1547G>A on transcript NM_000809.4 (MANE Select); coding-DNA position 1547, G replaced by A.
Protein change: p.Ser516Asn; replaces serine 516 with asparagine.
Molecular consequence: missense variant.
Genome position (GRCh38, 1-based): chr4:46,928,343, C>T on the plus strand (G>A on the coding strand, the complement: GABRA4 is on the minus strand). VCF-style: chr4-46928343-C-T. GRCh37 (hg19) VCF-style: chr4-46930360-C-T.
Other names: c.1490G>A, p.Ser497Asn (NM_001204266.2); c.1337G>A, p.Ser446Asn (NM_001204267.2); short protein forms S446N, S497N, S516N.
Identifiers: ClinVar variation 4282285 (VCV004282285.1).
Genomic context (GRCh38, chr4:46,928,343, plus strand): 5'-ACCATGTTAAATGCCCCAAATGTGACTGGAAAGAGAATACGGGCATATTTGTCTATTTTA[C>T]TTGTGCCAGATCCAGAAGGTGGTGGAGCCGATGGAGGAGGAGTAGCTGACAACTTCCCAG-3'
Protein context (NP_000800.2, residues 506-526): SAPPPSGSGT[Ser516Asn]KIDKYARILF